The following is an entry in ClinVar:

ClinVar aggregate classification (germline): Likely benign (1 of 4 stars; one submission).

gnomAD v4.1: 21 of 1,613,646 alleles (0.0013%); highest among the groups gnomAD compares: Non-Finnish European, 0.0016%; no homozygotes.

Submission:

CeGaT Center for Human Genetics Tuebingen
Classification: Likely benign. Last evaluated: 2025-06-01. Review status: criteria provided, single submitter. Criteria: CeGaT Center For Human Genetics Tuebingen Variant Classification Criteria Version 2. Collection method: clinical testing. Allele origin: germline. Affected: yes. Observed: 1 variant allele.
Comment: GRIA1: BP4

NM_000827.4(GRIA1):c.1896C>A (p.Ala632=)

Gene: GRIA1 (glutamate ionotropic receptor AMPA type subunit 1; plus strand). Cytogenetic location: 5q33.2.
Variant type: single nucleotide variant.
Coding change: c.1896C>A on transcript NM_000827.4 (MANE Select); coding-DNA position 1896, C replaced by A.
Protein change: p.Ala632=; no amino-acid change (alanine 632 retained).
Molecular consequence: synonymous variant. On other transcripts: non-coding transcript variant (2).
Genome position (GRCh38, 1-based): chr5:153,764,506, C>A. VCF-style: chr5-153764506-C-A. GRCh37 (hg19) VCF-style: chr5-153144066-C-A.
Other names: c.1896C>A, p.Ala632= (NM_001114183.2); c.1656C>A, p.Ala552= (NM_001258019.2); c.1611C>A, p.Ala537= (NM_001258020.2); c.1926C>A, p.Ala642= (NM_001258021.2, NM_001258022.2); c.1689C>A, p.Ala563= (NM_001258023.1, NM_001364167.2); c.1728C>A, p.Ala576= (NM_001364165.2); c.1923C>A, p.Ala641= (NM_001364166.2).
Identifiers: ClinVar variation 3905513 (VCV003905513.10).
Genomic context (GRCh38, chr5:153,764,506, plus strand): 5'-TCGCATCGTTGGTGGCGTCTGGTGGTTCTTCACCTTAATCATCATCTCCTCATATACAGC[C>A]AATCTGGCCGCCTTCCTGACCGTGGAGAGGATGGTGTCTCCCATTGAGAGTGCAGAGGAC-3'
Protein context (NP_000818.2, residues 622-642): FTLIIISSYT[Ala632=]NLAAFLTVER